The following is an entry in ClinVar:

ClinVar aggregate classification (germline): Uncertain significance. Review status: criteria provided, multiple submitters, no conflicts (2 of 4 stars). 2 submissions from 2 submitters: Uncertain significance (2). Last evaluated 2024-06-13.

Conditions:
Renal hypomagnesemia 2 (HOMG2). Also called: MAGNESIUM LOSS, ISOLATED RENAL. Identifiers: Orphanet 34528, MedGen C1835171, MONDO:0007937, OMIM 154020.

Allele frequency attached by ClinVar (database versions not stated): gnomAD 0.00001; TOPMed 0.00003; gnomAD exomes 0.00008.
gnomAD v4.1: 112 of 1,560,256 alleles (0.0072%); highest among the groups gnomAD compares: Non-Finnish European, 0.0089%; no homozygotes.

Submissions (2):

Fulgent Genetics
Classification: Uncertain significance for Renal hypomagnesemia 2. Last evaluated: 2024-06-13. Review status: criteria provided, single submitter. Criteria: ACMG Guidelines, 2015. Collection method: clinical testing. Allele origin: germline.

Labcorp Genetics (formerly Invitae), Labcorp
Classification: Uncertain significance. Last evaluated: 2023-02-14. Review status: criteria provided, single submitter. Criteria: Invitae Variant Classification Sherloc (09022015). Collection method: clinical testing. Allele origin: germline.
Comment: This sequence change affects an acceptor splice site in intron 2 of the FXYD2 gene. It is expected to disrupt RNA splicing. Variants that disrupt the donor or acceptor splice site typically lead to a loss of protein function (PMID: 16199547), however the current clinical and genetic evidence is not sufficient to establish whether loss-of-function variants in FXYD2 cause disease. This variant is present in population databases (rs767357379, gnomAD 0.009%). This variant has not been reported in the literature in individuals affected with FXYD2-related conditions. Algorithms developed to predict the effect of sequence changes on RNA splicing suggest that this variant may disrupt the consensus splice site. In summary, the available evidence is currently insufficient to determine the role of this variant in disease. Therefore, it has been classified as a Variant of Uncertain Significance.

Literature cited by the submitters: PubMed 16199547 (cited by Labcorp Genetics (formerly Invitae), Labcorp).

NM_001680.5(FXYD2):c.65-1G>A

Genes: FXYD6-FXYD2 (FXYD6-FXYD2 readthrough; minus strand), FXYD2 (FXYD domain containing ion transport regulator 2; minus strand). Cytogenetic location: 11q23.3.
Variant type: single nucleotide variant.
Coding change: c.65-1G>A on transcript NM_001680.5 (MANE Select); the canonical splice acceptor site of the intron before coding-DNA position 65, G replaced by A.
Molecular consequence: splice acceptor variant. On other transcripts: intron variant (1).
Genome position (GRCh38, 1-based): chr11:117,822,481, C>T on the plus strand (G>A on the coding strand, the complement: FXYD2 is on the minus strand). VCF-style: chr11-117822481-C-T. GRCh37 (hg19) VCF-style: chr11-117693196-C-T.
Other names: c.311+198G>A (NM_001243598.4); c.299-1G>A (NM_001204268.3); c.59-1G>A (NM_021603.4).
Identifiers: ClinVar variation 2984922 (VCV002984922.4), dbSNP rs767357379, ClinGen allele CA6297819.
Genomic context (GRCh38, chr11:117,822,481, plus strand): 5'-GCCCCACGATGAAGGCCAGTCCAGCGAAGATCAGGCCCCCATTGCGAACGGTCTCATAGT[C>T]TCCGGAAAGAGAGGGCAAGAGGAGCGGGATGGGTGGTCTCTCCCAGCAGCTGTCTCTCTC-3'